The following is an entry in ClinVar:

ClinVar aggregate classification (germline): Uncertain significance (1 of 4 stars; one submission).

Conditions:
Familial thoracic aortic aneurysm and aortic dissection (TAAD). Also called: Thoracic aortic aneurysms and dissections. Identifiers: Orphanet 91387, MedGen C4707243, MONDO:0019625.

gnomAD v4.1: 3 of 1,614,120 alleles (0.00019%); highest among the groups gnomAD compares: Non-Finnish European, 0.00017%; no homozygotes.

Submission:

All of Us Research Program, National Institutes of Health
Classification: Uncertain significance for Familial thoracic aortic aneurysm and aortic dissection. Last evaluated: 2024-01-11. Review status: criteria provided, single submitter. Criteria: ACMG Guidelines, 2015. Collection method: clinical testing. Allele origin: germline. Inheritance: Autosomal dominant inheritance. Observed: 1 variant allele, 1 heterozygote.
Comment: This study involves interpretation of variants in research participants for the purpose of population health screening. Participant phenotype was not available at the time of variant classification. Additional details can be found in publication PMID: 35346344, PMCID: PMC8962531

NM_002474.3(MYH11):c.4913A>T (p.Lys1638Met)

Genes: NDE1 (nudE neurodevelopment protein 1; plus strand), MYH11 (myosin heavy chain 11; minus strand). Cytogenetic location: 16p13.11.
Variant type: single nucleotide variant.
Coding change: c.4913A>T on transcript NM_002474.3 (MANE Select); coding-DNA position 4913, A replaced by T.
Protein change: p.Lys1638Met; replaces lysine 1638 with methionine.
Molecular consequence: missense variant. On other transcripts: intron variant (2).
Genome position (GRCh38, 1-based): chr16:15,720,191, T>A on the plus strand (A>T on the coding strand, the complement: MYH11 is on the minus strand). VCF-style: chr16-15720191-T-A. GRCh37 (hg19) VCF-style: chr16-15814048-T-A.
Other names: c.4934A>T, p.Lys1645Met (NM_001040113.2, NM_001040114.2); c.4913A>T, p.Lys1638Met (NM_022844.3); c.948-4000T>A (NM_001143979.2, NM_017668.3); short protein forms K1638M, K1645M.
Identifiers: ClinVar variation 3075359 (VCV003075359.1), dbSNP rs773307101, ClinGen allele CA394852339.